The following is an entry in ClinVar:

ClinVar aggregate classification (germline): Conflicting classifications of pathogenicity. Review status: criteria provided, conflicting classifications (1 of 4 stars). 5 submissions from 5 submitters: Likely pathogenic (1); Uncertain significance (3); Benign (1). Last evaluated 2026-09-01.

Conditions:
Maturity-onset diabetes of the young type 8 (MODY8). Also called: DIABETES AND PANCREATIC EXOCRINE DYSFUNCTION; DIABETES-PANCREATIC EXOCRINE DYSFUNCTION SYNDROME. Identifiers: Orphanet 552, MedGen C1853297, MONDO:0012348, OMIM 609812.

Allele frequency attached by ClinVar (database versions not stated): ExAC 0.00029; gnomAD exomes 0.00029 and 0.00064; gnomAD 0.00115 and 0.00117; ESP Exome Variant Server 0.00705.

Submissions (5):

CeGaT Center for Human Genetics Tuebingen
Classification: Benign. Last evaluated: 2026-09-01. Review status: criteria provided, single submitter. Criteria: CeGaT Center For Human Genetics Tuebingen Variant Classification Criteria Version 2. Collection method: clinical testing. Allele origin: germline. Affected: yes. Observed: 4 variant alleles.
Comment: CEL: BS1, BS2

Department of Pathology and Laboratory Medicine, Sinai Health System
Classification: Uncertain significance for Maturity-onset diabetes of the young type 8. Last evaluated: 2022-11-29. Review status: criteria provided, single submitter. Criteria: ACMG Guidelines, 2015. Collection method: research. Allele origin: germline.

Mendelics
Classification: Uncertain significance. Last evaluated: 2022-05-04. Review status: criteria provided, single submitter. Criteria: Mendelics Assertion Criteria 2019. Collection method: clinical testing. Allele origin: germline.

Broad Center for Mendelian Genomics, Broad Institute of MIT and Harvard
Classification: Uncertain significance for Maturity-onset diabetes of the young type 8. Last evaluated: 2020-01-22. Review status: criteria provided, single submitter. Criteria: ACMG Guidelines, 2015. Collection method: curation. Allele origin: germline. Inheritance: Autosomal dominant inheritance.
Comment: Please note that for diseases with clinical variability, or reduced penetrance, pathogenic variants may be present at a low frequency in the general population. This variant has also been reported likely pathogenic in ClinVar (Variation ID: 290893). Heterozygous loss of function of the CEL gene is not an established disease mechanism in Maturity-Onset Diabetes of the Young. However, functional studies with another frameshift variant in the same repetitive region suggests that disruption of the repetitive region affects protein secretion and stability, which supports pathogenicity for frameshift variants in this region (PMID: 16369531). In summary, while there is some suspicion for a pathogenic role, the clinical significance of this variant is uncertain. ACMG/AMP Criteria applied: PM2, PM1 (Richards 2015).

Eurofins Ntd Llc (ga)
Classification: Likely pathogenic. Last evaluated: 2016-08-26. Review status: criteria provided, single submitter. Criteria: EGL Classification Definitions 2015. Collection method: clinical testing. Allele origin: germline. Observed: 1 variant allele, 1 heterozygote.

Literature cited by the submitters: PubMed 16369531 (cited by Broad Center for Mendelian Genomics, Broad Institute of MIT and Harvard).

NM_001807.6(CEL):c.2172del (p.Val725fs)

Gene: CEL (carboxyl ester lipase; plus strand). Cytogenetic location: 9q34.13.
Variant type: Deletion.
Coding change: c.2172del on transcript NM_001807.6 (MANE Select); coding-DNA position 2172, one base deleted (T; older notation c.2172delT).
Protein change: p.Val725fs; shifts the reading frame from valine 725.
Molecular consequence: frameshift variant.
Genome position (GRCh38, 1-based): chr9:133,071,674, T deleted. VCF-style (leftmost placement, unchanged base first): chr9-133071673-CT-C. GRCh37 (hg19) VCF-style: chr9-135947060-CT-C.
Other names: short protein forms V725fs.
Identifiers: ClinVar variation 290893 (VCV000290893.33), dbSNP rs780419796, ClinGen allele CA5303677.